The following is an entry in ClinVar:

NM_001148.6(ANK2):c.6821G>T (p.Arg2274Leu)

Genes: ANK2 (ankyrin 2; plus strand), LOC126807137 (CDK7 strongly-dependent group 2 enhancer GRCh37_chr4:114276560-114277759; plus strand). Cytogenetic location: 4q26.
Variant type: single nucleotide variant.
Coding change: c.6821G>T on transcript NM_001148.6 (MANE Select); coding-DNA position 6821, G replaced by T.
Protein change: p.Arg2274Leu; replaces arginine 2274 with leucine.
Molecular consequence: missense variant. On other transcripts: intron variant (68).
Genome position (GRCh38, 1-based): chr4:113,355,439, G>T. VCF-style: chr4-113355439-G-T. GRCh37 (hg19) VCF-style: chr4-114276595-G-T.
Other names: c.6587G>T, p.Arg2196Leu (NM_001386142.1); c.3221G>T, p.Arg1074Leu (NM_001386166.1); c.6962G>T, p.Arg2321Leu (NM_001386174.1); c.6938G>T, p.Arg2313Leu (NM_001386175.1); c.4411+5190G>T (NM_001386186.2, NM_001386148.2); c.4213+5190G>T (NM_001354269.3); c.4291+5190G>T (NM_001386187.2); c.4252+5190G>T (NM_001386147.1); and 35 more; short protein forms R2313L, R2321L, R2274L, R1074L, R2196L.
Identifiers: ClinVar variation 3666877 (VCV003666877.2).
Genomic context (GRCh38, chr4:113,355,439, plus strand): 5'-GTGAGGAGCAAACTGGGGAAACAAAGGAAAGCACCAAGACAGAAACCACCACAGAAATTC[G>T]TTCAGAAAAAGAGCATCCCACGACCAAAGACATTACTGGTGGCTCTGAAGAGCGAGGTGC-3'
Protein context (NP_001139.3, residues 2264-2284): STKTETTTEI[Arg2274Leu]SEKEHPTTKD

ClinVar aggregate classification (germline): Uncertain significance (1 of 4 stars; one submission).

Conditions:
Long QT syndrome (LQTS). Identifiers: MedGen C0023976, MeSH D008133, MONDO:0002442. Disease mechanism: loss of function. Inheritance: Various modes of inheritance.

Submission:

Labcorp Genetics (formerly Invitae), Labcorp
Classification: Uncertain significance for Long QT syndrome. Last evaluated: 2024-12-12. Review status: criteria provided, single submitter. Criteria: Invitae Variant Classification Sherloc (09022015). Collection method: clinical testing. Allele origin: germline.
Comment: This sequence change replaces arginine, which is basic and polar, with leucine, which is neutral and non-polar, at codon 2274 of the ANK2 protein (p.Arg2274Leu). This variant is not present in population databases (gnomAD no frequency). This variant has not been reported in the literature in individuals affected with ANK2-related conditions. An algorithm developed to predict the effect of missense changes on protein structure and function (PolyPhen-2) suggests that this variant is likely to be tolerated. In summary, the available evidence is currently insufficient to determine the role of this variant in disease. Therefore, it has been classified as a Variant of Uncertain Significance.